The following is an entry in ClinVar:

ClinVar aggregate classification (germline): Likely benign. Review status: criteria provided, multiple submitters, no conflicts (2 of 4 stars). 4 submissions from 4 submitters: Likely benign (4). Last evaluated 2026-01-13.

Allele frequency attached by ClinVar (database versions not stated): TOPMed 0.00002; ESP Exome Variant Server 0.00008.
gnomAD v4.1: 98 of 1,603,218 alleles (0.0061%); highest among the groups gnomAD compares: Middle Eastern, 0.033%; no homozygotes.

Submissions (4):

Women's Health and Genetics/Laboratory Corporation of America, LabCorp
Classification: Likely benign. Last evaluated: 2026-01-13. Review status: criteria provided, single submitter. Criteria: LabCorp Variant Classification Summary - May 2015. Collection method: clinical testing. Allele origin: germline.

Mayo Clinic Laboratories, Mayo Clinic
Classification: Likely benign. Last evaluated: 2025-08-20. Review status: criteria provided, single submitter. Criteria: ACMG Guidelines, 2015. Collection method: clinical testing. Allele origin: germline. Observed: 1 variant allele.
Comment: BP4, BP7

Labcorp Genetics (formerly Invitae), Labcorp
Classification: Likely benign. Last evaluated: 2023-10-09. Review status: criteria provided, single submitter. Criteria: Invitae Variant Classification Sherloc (09022015). Collection method: clinical testing. Allele origin: germline.

CeGaT Center for Human Genetics Tuebingen
Classification: Likely benign. Last evaluated: 2021-01-01. Review status: criteria provided, single submitter. Criteria: CeGaT Center For Human Genetics Tuebingen Variant Classification Criteria Version 2. Collection method: clinical testing. Allele origin: germline. Affected: yes. Observed: 1 variant allele.

NM_006946.4(SPTBN2):c.3163C>A (p.Arg1055=)

Gene: SPTBN2 (spectrin beta, non-erythrocytic 2; minus strand). Cytogenetic location: 11q13.2.
Variant type: single nucleotide variant.
Coding change: c.3163C>A on transcript NM_006946.4 (MANE Select); coding-DNA position 3163, C replaced by A.
Protein change: p.Arg1055=; no amino-acid change (arginine 1055 retained).
Molecular consequence: synonymous variant.
Genome position (GRCh38, 1-based): chr11:66,700,936, G>T on the plus strand (C>A on the coding strand, the complement: SPTBN2 is on the minus strand). VCF-style: chr11-66700936-G-T. GRCh37 (hg19) VCF-style: chr11-66468407-G-T.
Other names: p.Arg1055=; c.3163C>A (NM_006946.3).
Identifiers: ClinVar variation 1012803 (VCV001012803.46), dbSNP rs138022806, ClinGen allele CA6128924.